The following is an entry in ClinVar:

ClinVar aggregate classification (germline): Uncertain significance (1 of 4 stars; one submission).

Conditions:
Developmental and epileptic encephalopathy, 54. Also called: HNRNPU-Related Neurodevelopmental Disorder; Epileptic encephalopathy, early infantile, 54. Identifiers: MedGen C4479319, MONDO:0033363, OMIM 617391.

Allele frequency attached by ClinVar (database versions not stated): ExAC 0.00001; gnomAD exomes 0.00001.
gnomAD v4.1: 14 of 1,574,030 alleles (0.00089%); highest among the groups gnomAD compares: African/African-American, 0.0014%; no homozygotes.

Submission:

Labcorp Genetics (formerly Invitae), Labcorp
Classification: Uncertain significance for Developmental and epileptic encephalopathy, 54. Last evaluated: 2023-03-21. Review status: criteria provided, single submitter. Criteria: Invitae Variant Classification Sherloc (09022015). Collection method: clinical testing. Allele origin: germline.
Comment: This sequence change falls in intron 7 of the HNRNPU gene. It does not directly change the encoded amino acid sequence of the HNRNPU protein. The frequency data for this variant in the population databases is considered unreliable, as metrics indicate poor data quality at this position in the gnomAD database. This variant has not been reported in the literature in individuals affected with HNRNPU-related conditions. ClinVar contains an entry for this variant (Variation ID: 569591). Algorithms developed to predict the effect of sequence changes on RNA splicing suggest that this variant may create or strengthen a splice site. In summary, the available evidence is currently insufficient to determine the role of this variant in disease. Therefore, it has been classified as a Variant of Uncertain Significance.

NM_031844.3(HNRNPU):c.1494+7G>T

Gene: HNRNPU (heterogeneous nuclear ribonucleoprotein U; minus strand). Cytogenetic location: 1q44.
Variant type: single nucleotide variant.
Coding change: c.1494+7G>T on transcript NM_031844.3 (MANE Select); 7 bases into the intron after coding-DNA position 1494, G replaced by T.
Molecular consequence: intron variant.
Genome position (GRCh38, 1-based): chr1:244,858,004, C>A on the plus strand (G>T on the coding strand, the complement: HNRNPU is on the minus strand). VCF-style: chr1-244858004-C-A. GRCh37 (hg19) VCF-style: chr1-245021306-C-A.
Other names: c.1437+7G>T (NM_004501.3).
Identifiers: ClinVar variation 569591 (VCV000569591.9), dbSNP rs752112910, ClinGen allele CA1486455.